The following is an entry in ClinVar:

NM_002860.4(ALDH18A1):c.752C>T (p.Ala251Val)

Gene: ALDH18A1 (aldehyde dehydrogenase 18 family member A1; minus strand). Cytogenetic location: 10q24.1.
Variant type: single nucleotide variant.
Coding change: c.752C>T on transcript NM_002860.4 (MANE Select); coding-DNA position 752, C replaced by T.
Protein change: p.Ala251Val; replaces alanine 251 with valine.
Molecular consequence: missense variant.
Genome position (GRCh38, 1-based): chr10:95,633,015, G>A on the plus strand (C>T on the coding strand, the complement: ALDH18A1 is on the minus strand). VCF-style: chr10-95633015-G-A. GRCh37 (hg19) VCF-style: chr10-97392772-G-A.
Other names: c.746C>T, p.Ala249Val (NM_001017423.2, NM_001323415.2); c.419C>T, p.Ala140Val (NM_001323412.2, NM_001323416.2); c.752C>T, p.Ala251Val (NM_001323413.2, NM_001323414.2); c.647C>T, p.Ala216Val (NM_001323417.2); c.413C>T, p.Ala138Val (NM_001323418.2); c.116C>T, p.Ala39Val (NM_001323419.2); short protein forms A138V, A140V, A216V, A249V, A251V, A39V.
Identifiers: ClinVar variation 1693378 (VCV001693378.2), dbSNP rs2139607865, ClinGen allele CA377705028.

ClinVar aggregate classification (germline): Uncertain significance (1 of 4 stars; one submission).

Submission:

GeneDx
Classification: Uncertain significance. Last evaluated: 2022-01-03. Review status: criteria provided, single submitter. Criteria: GeneDx Variant Classification Process June 2021. Collection method: clinical testing. Allele origin: germline. Affected: yes.
Comment: Not observed at significant frequency in large population cohorts (gnomAD); In silico analysis supports that this missense variant has a deleterious effect on protein structure/function; Has not been previously published as pathogenic or benign to our knowledge